The following is an entry in ClinVar:

ClinVar aggregate classification (germline): Uncertain significance (1 of 4 stars; one submission).

Conditions:
Neonatal-onset encephalopathy with rigidity and seizures. Also called: Lethal neonatal spasticity-epileptic encephalopathy syndrome. Identifiers: Orphanet 435845, MedGen C3281029, MONDO:0013784, OMIM 614498.

Submission:

Labcorp Genetics (formerly Invitae), Labcorp
Classification: Uncertain significance for Neonatal-onset encephalopathy with rigidity and seizures. Last evaluated: 2023-10-03. Review status: criteria provided, single submitter. Criteria: Invitae Variant Classification Sherloc (09022015). Collection method: clinical testing. Allele origin: germline.
Comment: This variant, c.682_684dup, results in the insertion of 1 amino acid(s) of the BRAT1 protein (p.Cys228dup), but otherwise preserves the integrity of the reading frame. This variant is not present in population databases (gnomAD no frequency). This variant has not been reported in the literature in individuals affected with BRAT1-related conditions. ClinVar contains an entry for this variant (Variation ID: 864209). Experimental studies and prediction algorithms are not available or were not evaluated, and the functional significance of this variant is currently unknown. In summary, the available evidence is currently insufficient to determine the role of this variant in disease. Therefore, it has been classified as a Variant of Uncertain Significance.

NM_152743.4(BRAT1):c.682_684dup (p.Cys228dup)

Gene: BRAT1 (BRCA1 associated ATM activator 1; minus strand). Cytogenetic location: 7p22.3.
Variant type: Duplication.
Coding change: c.682_684dup on transcript NM_152743.4 (MANE Select); coding-DNA positions 682 to 684, 3 bases duplicated (TGC; older notation c.682_684dupTGC).
Protein change: p.Cys228dup; duplicates cysteine 228.
Molecular consequence: inframe insertion. On other transcripts: non-coding transcript variant (1).
Genome position (GRCh38, 1-based): chr7:2,543,709-2,543,711, GCA duplicated on the plus strand (TGC on the coding strand, the reverse complement: BRAT1 is on the minus strand); duplicating any 3 consecutive bases within chr7:2,543,709-2,543,713 gives the same sequence; the c. name uses the placement nearest the transcript's 3' end. VCF-style (leftmost placement, unchanged base first): chr7-2543708-G-GGCA. GRCh37 (hg19) VCF-style: chr7-2583342-G-GGCA.
Other names: c.682_684dup, p.Cys228dup (NM_001350626.2); c.157_159dup, p.Cys53dup (NM_001350627.2).
Identifiers: ClinVar variation 864209 (VCV000864209.5), dbSNP rs1779363898, ClinGen allele CA916082910.